The following is an entry in ClinVar:

NM_001148.6(ANK2):c.9439G>A (p.Val3147Met)

Gene: ANK2 (ankyrin 2; plus strand). Cytogenetic location: 4q26.
Variant type: single nucleotide variant.
Coding change: c.9439G>A on transcript NM_001148.6 (MANE Select); coding-DNA position 9439, G replaced by A.
Protein change: p.Val3147Met; replaces valine 3147 with methionine.
Molecular consequence: missense variant. On other transcripts: intron variant (68).
Genome position (GRCh38, 1-based): chr4:113,358,057, G>A. VCF-style: chr4-113358057-G-A. GRCh37 (hg19) VCF-style: chr4-114279213-G-A.
Other names: c.9205G>A, p.Val3069Met (NM_001386142.1); c.5839G>A, p.Val1947Met (NM_001386166.1); c.9580G>A, p.Val3194Met (NM_001386174.1); c.9556G>A, p.Val3186Met (NM_001386175.1); c.4412-2766G>A (NM_001386186.2, NM_001386148.2); c.4214-2766G>A (NM_001354269.3); c.4292-2766G>A (NM_001386187.2); c.4253-2766G>A (NM_001386147.1); and 35 more; short protein forms V1947M, V3147M, V3194M, V3069M, V3186M.
Identifiers: ClinVar variation 2140277 (VCV002140277.4), dbSNP rs2505958419, ClinGen allele CA357937529.

ClinVar aggregate classification (germline): Uncertain significance (1 of 4 stars; one submission).

Conditions:
Long QT syndrome (LQTS). Identifiers: MedGen C0023976, MeSH D008133, MONDO:0002442. Disease mechanism: loss of function. Inheritance: Various modes of inheritance.

Allele frequency attached by ClinVar (database versions not stated): gnomAD exomes 0.00001.
gnomAD v4.1: 6 of 1,614,066 alleles (0.00037%); highest among the groups gnomAD compares: Middle Eastern, 0.016%; no homozygotes.

Submission:

Labcorp Genetics (formerly Invitae), Labcorp
Classification: Uncertain significance for Long QT syndrome. Last evaluated: 2022-05-02. Review status: criteria provided, single submitter. Criteria: Invitae Variant Classification Sherloc (09022015). Collection method: clinical testing. Allele origin: germline.
Comment: This variant is not present in population databases (gnomAD no frequency). This sequence change replaces valine, which is neutral and non-polar, with methionine, which is neutral and non-polar, at codon 3147 of the ANK2 protein (p.Val3147Met). In summary, the available evidence is currently insufficient to determine the role of this variant in disease. Therefore, it has been classified as a Variant of Uncertain Significance. Algorithms developed to predict the effect of missense changes on protein structure and function output the following: SIFT: "Tolerated"; PolyPhen-2: "Benign"; Align-GVGD: "Class C0". The methionine amino acid residue is found in multiple mammalian species, which suggests that this missense change does not adversely affect protein function. This variant has not been reported in the literature in individuals affected with ANK2-related conditions.